The following is an entry in ClinVar:

NM_002691.4(POLD1):c.3068-4A>C

Gene: POLD1 (DNA polymerase delta 1, catalytic subunit; plus strand). Cytogenetic location: 19q13.33.
Variant type: single nucleotide variant.
Coding change: c.3068-4A>C on transcript NM_002691.4 (MANE Select); 4 bases into the intron before coding-DNA position 3068, A replaced by C.
Molecular consequence: intron variant.
Genome position (GRCh38, 1-based): chr19:50,417,041, A>C. VCF-style: chr19-50417041-A-C. GRCh37 (hg19) VCF-style: chr19-50920298-A-C.
Other names: c.3068-4A>C (NM_001256849.1, NM_002691.2); c.3146-4A>C (NM_001308632.1).
Identifiers: ClinVar variation 1950737 (VCV001950737.6), dbSNP rs1410754292, ClinGen allele CA2580097851.
Genomic context (GRCh38, chr19:50,417,041, plus strand): 5'-CAGGGATGGGGTGGCCCAGTTCCTGGCTGGGCCCCAGCACTTGGGCTGACCCGCCTCCCC[A>C]CAGGAGCCGTGTGTGAGTTCTGCCAGCCCCGGGAGTCTGAGCTGTATCAGAAGGAGGTGA-3'

ClinVar aggregate classification (germline): Conflicting classifications of pathogenicity. Review status: criteria provided, conflicting classifications (1 of 4 stars). 2 submissions from 2 submitters: Uncertain significance (1); Likely benign (1). Last evaluated 2025-08-15.

Conditions:
POLD1-related polyposis and colorectal cancer syndrome (CRCS10). Also called: Colorectal cancer 10; COLORECTAL CANCER, SUSCEPTIBILITY TO, ON CHROMOSOME 19q; Colorectal cancer, susceptibility to, 10. Identifiers: Orphanet 220460, MedGen C2675481, MONDO:0012953, OMIM 612591.
Hereditary cancer-predisposing syndrome. Also called: Tumor predisposition; Hereditary Cancer Syndrome; Hereditary neoplastic syndrome; Neoplastic Syndromes, Hereditary. Identifiers: Orphanet 140162, MedGen C0027672, MeSH D009386, MONDO:0015356.

Submissions (2):

Ambry Genetics
Classification: Uncertain significance for Hereditary cancer-predisposing syndrome. Last evaluated: 2025-08-15. Review status: criteria provided, single submitter. Criteria: Ambry Variant Classification Scheme 2023. Collection method: clinical testing. Allele origin: germline.
Comment: The c.3068-4A>C intronic variant results from an A to C substitution 4 nucleotides upstream from coding exon 24 in the POLD1 gene. This nucleotide position is not well conserved in available vertebrate species. In silico splice site analysis for this alteration is inconclusive. Based on the available evidence, the clinical significance of this variant remains unclear.

Labcorp Genetics (formerly Invitae), Labcorp
Classification: Likely benign for POLD1-related polyposis and colorectal cancer syndrome. Last evaluated: 2023-11-09. Review status: criteria provided, single submitter. Criteria: Invitae Variant Classification Sherloc (09022015). Collection method: clinical testing. Allele origin: germline.